The following is an entry in ClinVar:

NM_006648.4(WNK2):c.2413A>T (p.Thr805Ser)

Gene: WNK2 (WNK lysine deficient protein kinase 2; plus strand). Cytogenetic location: 9q22.31.
Variant type: single nucleotide variant.
Coding change: c.2413A>T on transcript NM_006648.4 (MANE Select); coding-DNA position 2413, A replaced by T.
Protein change: p.Thr805Ser; replaces threonine 805 with serine.
Molecular consequence: missense variant.
Genome position (GRCh38, 1-based): chr9:93,258,961, A>T. VCF-style: chr9-93258961-A-T. GRCh37 (hg19) VCF-style: chr9-96021243-A-T.
Other names: c.2413A>T, p.Thr805Ser (NM_001282394.3); short protein forms T805S.
Identifiers: ClinVar variation 4201641 (VCV004201641.1).

ClinVar aggregate classification (germline): Uncertain significance (1 of 4 stars; one submission).

Submission:

Ambry Genetics
Classification: Uncertain significance. Last evaluated: 2025-07-19. Review status: criteria provided, single submitter. Criteria: Ambry Variant Classification Scheme 2023. Collection method: clinical testing. Allele origin: germline.
Comment: The p.T805S variant (also known as c.2413A>T), located in coding exon 11 of the WNK2 gene, results from an A to T substitution at nucleotide position 2413. The threonine at codon 805 is replaced by serine, an amino acid with similar properties. This amino acid position is conserved. In addition, this alteration is predicted to be tolerated by in silico analysis. Based on the available evidence, the clinical significance of this variant remains unclear.